The following is an entry in ClinVar:

NM_198129.4(LAMA3):c.1831A>C (p.Ser611Arg)

Gene: LAMA3 (laminin subunit alpha 3; plus strand). Cytogenetic location: 18q11.2.
Variant type: single nucleotide variant.
Coding change: c.1831A>C on transcript NM_198129.4 (MANE Select); coding-DNA position 1831, A replaced by C.
Protein change: p.Ser611Arg; replaces serine 611 with arginine.
Molecular consequence: missense variant.
Genome position (GRCh38, 1-based): chr18:23,814,445, A>C. VCF-style: chr18-23814445-A-C. GRCh37 (hg19) VCF-style: chr18-21394409-A-C.
Other names: c.1831A>C, p.Ser611Arg (NM_001127717.4); c.1831A>C (NM_198129.1, NM_198129.2); short protein forms S611R.
Identifiers: ClinVar variation 2057976 (VCV002057976.7), dbSNP rs115563929, ClinGen allele CA8914757.

ClinVar aggregate classification (germline): Conflicting classifications of pathogenicity. Review status: criteria provided, conflicting classifications (1 of 4 stars). 3 submissions from 3 submitters: Uncertain significance (1); Likely benign (1). 1 of the submissions does not count toward it. Last evaluated 2025-08-12.

Conditions:
LAMA3-related disorder. Also called: LAMA3-related condition; LAMA3-related disorders.
Inborn genetic diseases. Identifiers: MedGen C0950123, MeSH D030342.

Allele frequency attached by ClinVar (database versions not stated): ESP Exome Variant Server 0.00219; gnomAD 0.00254; 1000 Genomes Project 0.00359; 1000 Genomes Project 30x 0.00375; gnomAD exomes 0.00019; TOPMed 0.00280; ExAC 0.00075.
gnomAD v4.1: 688 of 1,614,032 alleles (0.043%); highest among the groups gnomAD compares: African/African-American, 0.83%; 4 homozygotes.

Submissions (3):

Ambry Genetics
Classification: Uncertain significance for Inborn genetic diseases. Last evaluated: 2025-08-12. Review status: criteria provided, single submitter. Criteria: Ambry Variant Classification Scheme 2023. Collection method: clinical testing. Allele origin: germline.

Labcorp Genetics (formerly Invitae), Labcorp
Classification: Likely benign. Last evaluated: 2022-06-20. Review status: criteria provided, single submitter. Criteria: Invitae Variant Classification Sherloc (09022015). Collection method: clinical testing. Allele origin: germline.

PreventionGenetics, part of Exact Sciences
Classification: Benign for LAMA3-related condition. Last evaluated: 2019-06-10. Review status: no assertion criteria provided. Collection method: clinical testing. Allele origin: germline. Not counted in ClinVar's aggregate classification.
Comment: This variant is classified as benign based on ACMG/AMP sequence variant interpretation guidelines (Richards et al. 2015 PMID: 25741868, with internal and published modifications).